The following is an entry in ClinVar:

NM_000313.4(PROS1):c.119G>A (p.Arg40His)

Gene: PROS1 (protein S; minus strand). Cytogenetic location: 3q11.1.
Variant type: single nucleotide variant.
Coding change: c.119G>A on transcript NM_000313.4 (MANE Select); coding-DNA position 119, G replaced by A.
Protein change: p.Arg40His; replaces arginine 40 with histidine.
Molecular consequence: missense variant.
Genome position (GRCh38, 1-based): chr3:93,927,365, C>T on the plus strand (G>A on the coding strand, the complement: PROS1 is on the minus strand). VCF-style: chr3-93927365-C-T. GRCh37 (hg19) VCF-style: chr3-93646209-C-T.
Other names: c.215G>A, p.Arg72His (NM_001314077.2); short protein forms R40H, R72H.
Identifiers: ClinVar variation 1002628 (VCV001002628.5), dbSNP rs7614835, ClinGen allele CA2503589.

ClinVar aggregate classification (germline): Uncertain significance. Review status: criteria provided, multiple submitters, no conflicts (2 of 4 stars). 2 submissions from 2 submitters: Uncertain significance (2). Last evaluated 2023-08-22.

Conditions:
Thrombophilia due to protein S deficiency, autosomal dominant (THPH5). Identifiers: Orphanet 26349, Orphanet 743, MedGen C3278211, MONDO:0012868, OMIM 612336. Disease mechanism: loss of function.
Thrombophilia due to protein S deficiency, autosomal recessive (THPH6). Identifiers: Orphanet 743, MedGen C3281092, MONDO:0013791, OMIM 614514. Disease mechanism: loss of function.

Allele frequency attached by ClinVar (database versions not stated): TOPMed 0.00009.
gnomAD v4.1: 106 of 1,613,974 alleles (0.0066%); highest among the groups gnomAD compares: Admixed American, 0.15%; no homozygotes.

Submissions (2):

Labcorp Genetics (formerly Invitae), Labcorp
Classification: Uncertain significance for Thrombophilia due to protein S deficiency, autosomal recessive. Last evaluated: 2023-08-22. Review status: criteria provided, single submitter. Criteria: Invitae Variant Classification Sherloc (09022015). Collection method: clinical testing. Allele origin: germline.
Comment: In summary, the available evidence is currently insufficient to determine the role of this variant in disease. Therefore, it has been classified as a Variant of Uncertain Significance. Advanced modeling of protein sequence and biophysical properties (such as structural, functional, and spatial information, amino acid conservation, physicochemical variation, residue mobility, and thermodynamic stability) has been performed at Invitae for this missense variant, however the output from this modeling did not meet the statistical confidence thresholds required to predict the impact of this variant on PROS1 protein function. ClinVar contains an entry for this variant (Variation ID: 1002628). This variant has not been reported in the literature in individuals affected with PROS1-related conditions. This variant is present in population databases (rs7614835, gnomAD 0.1%). This sequence change replaces arginine, which is basic and polar, with histidine, which is basic and polar, at codon 40 of the PROS1 protein (p.Arg40His).

Fulgent Genetics
Classification: Uncertain significance for Thrombophilia due to protein S deficiency, autosomal dominant; Thrombophilia due to protein S deficiency, autosomal recessive. Last evaluated: 2021-08-15. Review status: criteria provided, single submitter. Criteria: ACMG Guidelines, 2015. Collection method: clinical testing. Allele origin: unknown.